The following is an entry in ClinVar:

ClinVar aggregate classification (germline): Conflicting classifications of pathogenicity. Review status: criteria provided, conflicting classifications (1 of 4 stars). 3 submissions from 3 submitters: Uncertain significance (2); Likely benign (1). Last evaluated 2026-04-07.

Conditions:
Inborn genetic diseases. Identifiers: MedGen C0950123, MeSH D030342.
Ullrich congenital muscular dystrophy 2 (UCMD2). Identifiers: Orphanet 75840, MedGen C4225314, MONDO:0014654, OMIM 616470.
Bethlem myopathy 2 (BTHLM2). Identifiers: Orphanet 536516, Orphanet 610, MedGen C4225313, MONDO:0034022, OMIM 616471.

Allele frequency attached by ClinVar (database versions not stated): ExAC 0.00001; gnomAD exomes 0.00001; TOPMed 0.00002.
gnomAD v4.1: 28 of 1,613,954 alleles (0.0017%); highest among the groups gnomAD compares: Non-Finnish European, 0.0022%; no homozygotes.

Submissions (3):

Women's Health and Genetics/Laboratory Corporation of America, LabCorp
Classification: Uncertain significance. Last evaluated: 2026-04-07. Review status: criteria provided, single submitter. Criteria: LabCorp Variant Classification Summary - May 2015. Collection method: clinical testing. Allele origin: germline.
Comment: Variant summary: COL12A1 c.8857G>T (p.Ala2953Ser) results in a conservative amino acid change located in the Collagen triple helix repeat region (IPR008160) of the encoded protein sequence. Algorithms developed to predict the effect of missense changes on protein structure and function all suggest that this variant is likely to be tolerated. The variant allele was found at a frequency of 1.2e-05 in 249342 control chromosomes. The available data on variant occurrences in the general population are insufficient to allow any conclusion about variant significance. To our knowledge, no occurrence of c.8857G>T in individuals affected with COL12A1-related conditions and no experimental evidence demonstrating its impact on protein function have been reported. ClinVar contains an entry for this variant (Variation ID: 1001973). Based on the evidence outlined above, the variant was classified as uncertain significance.

Labcorp Genetics (formerly Invitae), Labcorp
Classification: Likely benign for Bethlem myopathy 2; Ullrich congenital muscular dystrophy 2. Last evaluated: 2025-08-05. Review status: criteria provided, single submitter. Criteria: Invitae Variant Classification Sherloc (09022015). Collection method: clinical testing. Allele origin: germline.

Ambry Genetics
Classification: Uncertain significance for Inborn genetic diseases. Last evaluated: 2024-06-10. Review status: criteria provided, single submitter. Criteria: Ambry Variant Classification Scheme 2023. Collection method: clinical testing. Allele origin: germline.

NM_004370.6(COL12A1):c.8857G>T (p.Ala2953Ser)

Gene: COL12A1 (collagen type XII alpha 1 chain; minus strand). Cytogenetic location: 6q13.
Variant type: single nucleotide variant.
Coding change: c.8857G>T on transcript NM_004370.6 (MANE Select); coding-DNA position 8857, G replaced by T.
Protein change: p.Ala2953Ser; replaces alanine 2953 with serine.
Molecular consequence: missense variant.
Genome position (GRCh38, 1-based): chr6:75,090,194, C>A on the plus strand (G>T on the coding strand, the complement: COL12A1 is on the minus strand). VCF-style: chr6-75090194-C-A. GRCh37 (hg19) VCF-style: chr6-75799910-C-A.
Other names: c.8857G>T (NM_004370.5); c.5365G>T, p.Ala1789Ser (NM_080645.3); short protein forms A1789S, A2953S.
Identifiers: ClinVar variation 1001973 (VCV001001973.9), dbSNP rs201760746, ClinGen allele CA3892093.